The following is an entry in ClinVar:

NM_014714.4(IFT140):c.2044C>A (p.Gln682Lys)

Gene: IFT140 (intraflagellar transport 140; minus strand). Cytogenetic location: 16p13.3.
Variant type: single nucleotide variant.
Coding change: c.2044C>A on transcript NM_014714.4 (MANE Select); coding-DNA position 2044, C replaced by A.
Protein change: p.Gln682Lys; replaces glutamine 682 with lysine.
Molecular consequence: missense variant.
Genome position (GRCh38, 1-based): chr16:1,564,020, G>T on the plus strand (C>A on the coding strand, the complement: IFT140 is on the minus strand). VCF-style: chr16-1564020-G-T. GRCh37 (hg19) VCF-style: chr16-1614021-G-T.
Other names: c.2044C>A (NM_014714.3); short protein forms Q682K.
Identifiers: ClinVar variation 1434914 (VCV001434914.6), dbSNP rs371064856, ClinGen allele CA7814041.

ClinVar aggregate classification (germline): Uncertain significance. Review status: criteria provided, multiple submitters, no conflicts (2 of 4 stars). 4 submissions from 4 submitters: Uncertain significance (4). Last evaluated 2025-10-15.

Conditions:
Saldino-Mainzer syndrome (SRTD9). Also called: short-rib thoracic dysplasia 9 with or without polydactyly; CONORENAL SYNDROME; Renal dysplasia, retinal pigmentary dystrophy, cerebellar ataxia and skeletal dysplasia; SHORT-RIB THORACIC DYSPLASIA 9 WITHOUT POLYDACTYLY. Identifiers: Orphanet 140969, MedGen C1849437, MONDO:0009964, OMIM 266920.
IFT140-related disorder. Also called: IFT140-related condition.
Retinitis pigmentosa 80 (RP80). Identifiers: MedGen C4540439, MONDO:0054708, OMIM 617781.

Allele frequency attached by ClinVar (database versions not stated): gnomAD exomes 0.00001; ExAC 0.00002; gnomAD 0.00003 and 0.00004; TOPMed 0.00006; ESP Exome Variant Server 0.00008.
gnomAD v4.1: 61 of 1,591,098 alleles (0.0038%); highest among the groups gnomAD compares: Non-Finnish European, 0.005%; no homozygotes.

Submissions (4):

PreventionGenetics, part of Exact Sciences
Classification: Uncertain significance for IFT140-related condition. Last evaluated: 2025-10-15. Review status: criteria provided, single submitter. Criteria: ACMG Guidelines, 2015. Collection method: clinical testing. Allele origin: germline.
Comment: The IFT140 c.2044C>A variant is predicted to result in the amino acid substitution p.Gln682Lys. To our knowledge, this variant has not been reported in the literature. This variant is reported in 0.0031% of alleles in individuals of European (Non-Finnish) descent in gnomAD. At this time, the clinical significance of this variant is uncertain due to the absence of conclusive functional and genetic evidence.

Fulgent Genetics
Classification: Uncertain significance for Saldino-Mainzer syndrome; Retinitis pigmentosa 80. Last evaluated: 2024-01-10. Review status: criteria provided, single submitter. Criteria: ACMG Guidelines, 2015. Collection method: clinical testing. Allele origin: germline.

Labcorp Genetics (formerly Invitae), Labcorp
Classification: Uncertain significance for Saldino-Mainzer syndrome. Last evaluated: 2022-07-05. Review status: criteria provided, single submitter. Criteria: Invitae Variant Classification Sherloc (09022015). Collection method: clinical testing. Allele origin: germline.
Comment: This sequence change replaces glutamine, which is neutral and polar, with lysine, which is basic and polar, at codon 682 of the IFT140 protein (p.Gln682Lys). This variant is present in population databases (rs371064856, gnomAD 0.005%). This variant has not been reported in the literature in individuals affected with IFT140-related conditions. ClinVar contains an entry for this variant (Variation ID: 1434914). Algorithms developed to predict the effect of missense changes on protein structure and function (SIFT, PolyPhen-2, Align-GVGD) all suggest that this variant is likely to be tolerated. In summary, the available evidence is currently insufficient to determine the role of this variant in disease. Therefore, it has been classified as a Variant of Uncertain Significance.

Blueprint Genetics
Classification: Uncertain significance. Last evaluated: 2022-04-20. Review status: criteria provided, single submitter. Criteria: ACMG Guidelines, 2015. Collection method: clinical testing. Allele origin: germline.